The following is an entry in ClinVar:

ClinVar aggregate classification (germline): Uncertain significance (1 of 4 stars; one submission).

Submission:

Labcorp Genetics (formerly Invitae), Labcorp
Classification: Uncertain significance. Last evaluated: 2022-05-31. Review status: criteria provided, single submitter. Criteria: Invitae Variant Classification Sherloc (09022015). Collection method: clinical testing. Allele origin: germline.
Comment: This sequence change falls in intron 1 of the CHMP1A gene. It does not directly change the encoded amino acid sequence of the CHMP1A protein. This variant is not present in population databases (gnomAD no frequency). This variant has not been reported in the literature in individuals affected with CHMP1A-related conditions. Algorithms developed to predict the effect of sequence changes on RNA splicing suggest that this variant may disrupt the consensus splice site. In summary, the available evidence is currently insufficient to determine the role of this variant in disease. Therefore, it has been classified as a Variant of Uncertain Significance.

NM_002768.5(CHMP1A):c.8-5T>C

Gene: CHMP1A (charged multivesicular body protein 1A; minus strand). Cytogenetic location: 16q24.3.
Variant type: single nucleotide variant.
Coding change: c.8-5T>C on transcript NM_002768.5 (MANE Select); 5 bases into the intron before coding-DNA position 8, T replaced by C.
Molecular consequence: intron variant.
Genome position (GRCh38, 1-based): chr16:89,653,928, A>G on the plus strand (T>C on the coding strand, the complement: CHMP1A is on the minus strand). VCF-style: chr16-89653928-A-G. GRCh37 (hg19) VCF-style: chr16-89720336-A-G.
Other names: c.8-2282T>C (NM_001083314.4).
Identifiers: ClinVar variation 2001379 (VCV002001379.4), dbSNP rs2543464395, ClinGen allele CA2580092582.
Genomic context (GRCh38, chr16:89,653,928, plus strand): 5'-GAACAGGGCTGGGGTGAACGGCCATTCGGTACATACCTTCAACTGGAACAGGGTATCTGC[A>G]AAGAAAGAGGGAATTAATGGTTTGAGGATTGGGAATGGGACGTTACACTTCTGGCAGGCA-3'